The following is an entry in ClinVar:

ClinVar aggregate classification (germline): Uncertain significance. Review status: criteria provided, multiple submitters, no conflicts (2 of 4 stars). 2 submissions from 2 submitters: Uncertain significance (2). Last evaluated 2024-05-10.

Allele frequency attached by ClinVar (database versions not stated): TOPMed 0.00002; gnomAD 0.00003; gnomAD exomes 0.00003; ESP Exome Variant Server 0.00008.
gnomAD v4.1: 53 of 1,613,836 alleles (0.0033%); highest among the groups gnomAD compares: Non-Finnish European, 0.0043%; no homozygotes.

Submissions (2):

Labcorp Genetics (formerly Invitae), Labcorp
Classification: Uncertain significance. Last evaluated: 2024-05-10. Review status: criteria provided, single submitter. Criteria: Invitae Variant Classification Sherloc (09022015). Collection method: clinical testing. Allele origin: germline.
Comment: This sequence change replaces arginine, which is basic and polar, with glycine, which is neutral and non-polar, at codon 1009 of the TMPRSS15 protein (p.Arg1009Gly). This variant is present in population databases (rs141033562, gnomAD 0.002%). This variant has not been reported in the literature in individuals affected with TMPRSS15-related conditions. ClinVar contains an entry for this variant (Variation ID: 2127725). Algorithms developed to predict the effect of missense changes on protein structure and function output the following: SIFT: "Not Available"; PolyPhen-2: "Benign"; Align-GVGD: "Not Available". The glycine amino acid residue is found in multiple mammalian species, which suggests that this missense change does not adversely affect protein function. In summary, the available evidence is currently insufficient to determine the role of this variant in disease. Therefore, it has been classified as a Variant of Uncertain Significance.

Ambry Genetics
Classification: Uncertain significance. Last evaluated: 2022-11-09. Review status: criteria provided, single submitter. Criteria: Ambry Variant Classification Scheme 2023. Collection method: clinical testing. Allele origin: germline.

NM_002772.3(TMPRSS15):c.3025A>G (p.Arg1009Gly)

Gene: TMPRSS15 (transmembrane serine protease 15; minus strand). Cytogenetic location: 21q21.1.
Variant type: single nucleotide variant.
Coding change: c.3025A>G on transcript NM_002772.3 (MANE Select); coding-DNA position 3025, A replaced by G.
Protein change: p.Arg1009Gly; replaces arginine 1009 with glycine.
Molecular consequence: missense variant.
Genome position (GRCh38, 1-based): chr21:18,270,004, T>C on the plus strand (A>G on the coding strand, the complement: TMPRSS15 is on the minus strand). VCF-style: chr21-18270004-T-C. GRCh37 (hg19) VCF-style: chr21-19642321-T-C.
Other names: short protein forms R1009G.
Identifiers: ClinVar variation 2127725 (VCV002127725.5), dbSNP rs141033562, ClinGen allele CA318119432.